The following is an entry in ClinVar:

NM_025179.4(PLXNA2):c.864C>G (p.Pro288=)

Gene: PLXNA2 (plexin A2; minus strand). Cytogenetic location: 1q32.2.
Variant type: single nucleotide variant.
Coding change: c.864C>G on transcript NM_025179.4 (MANE Select); coding-DNA position 864, C replaced by G.
Protein change: p.Pro288=; no amino-acid change (proline 288 retained).
Molecular consequence: synonymous variant.
Genome position (GRCh38, 1-based): chr1:208,217,059, G>C on the plus strand (C>G on the coding strand, the complement: PLXNA2 is on the minus strand). VCF-style: chr1-208217059-G-C. GRCh37 (hg19) VCF-style: chr1-208390404-G-C.
Identifiers: ClinVar variation 3351097 (VCV003351097.1).
Genomic context (GRCh38, chr1:208,217,059, plus strand): 5'-GCGGTATTCCACCCCGGCCCGGGTGCAGCCGAAGGGCAGGGACACGTATGAGTGGAACTT[G>C]GGGTCATCCTTGCAGAGCCGCACGATGCGTGAGGTGTAGAAGAGGTCTCCAGCGGAGTTG-3'
Protein context (NP_079455.3, residues 278-298): SRIVRLCKDD[Pro288=]KFHSYVSLPF

ClinVar aggregate classification (germline): Likely benign (0 of 4 stars; one submission).

Conditions:
PLXNA2-related disorder. Also called: PLXNA2-related condition.

gnomAD v4.1: 12 of 1,613,526 alleles (0.00074%); highest among the groups gnomAD compares: Non-Finnish European, 0.001%; no homozygotes.

Submission:

PreventionGenetics, part of Exact Sciences
Classification: Likely benign for PLXNA2-related condition. Last evaluated: 2024-06-05. Review status: no assertion criteria provided. Collection method: clinical testing. Allele origin: germline.
Comment: This variant is classified as likely benign based on ACMG/AMP sequence variant interpretation guidelines (Richards et al. 2015 PMID: 25741868, with internal and published modifications).